The following is an entry in ClinVar:

ClinVar aggregate classification (germline): Uncertain significance (1 of 4 stars; one submission).

Allele frequency attached by ClinVar (database versions not stated): gnomAD 0.00001; gnomAD exomes 0.00002; TOPMed 0.00002; ExAC 0.00003.
gnomAD v4.1: 10 of 1,607,068 alleles (0.00062%); highest among the groups gnomAD compares: South Asian, 0.0011%; no homozygotes.

Submission:

Labcorp Genetics (formerly Invitae), Labcorp
Classification: Uncertain significance. Last evaluated: 2022-03-04. Review status: criteria provided, single submitter. Criteria: Invitae Variant Classification Sherloc (09022015). Collection method: clinical testing. Allele origin: germline.
Comment: This sequence change replaces serine, which is neutral and polar, with glycine, which is neutral and non-polar, at codon 83 of the NARS2 protein (p.Ser83Gly). This variant is present in population databases (rs749129005, gnomAD 0.04%). This variant has not been reported in the literature in individuals affected with NARS2-related conditions. Algorithms developed to predict the effect of missense changes on protein structure and function (SIFT, PolyPhen-2, Align-GVGD) all suggest that this variant is likely to be tolerated. Algorithms developed to predict the effect of sequence changes on RNA splicing suggest that this variant may create or strengthen a splice site. In summary, the available evidence is currently insufficient to determine the role of this variant in disease. Therefore, it has been classified as a Variant of Uncertain Significance.

NM_024678.6(NARS2):c.247A>G (p.Ser83Gly)

Gene: NARS2 (asparaginyl-tRNA synthetase 2, mitochondrial; minus strand). Cytogenetic location: 11q14.1.
Variant type: single nucleotide variant.
Coding change: c.247A>G on transcript NM_024678.6 (MANE Select); coding-DNA position 247, A replaced by G.
Protein change: p.Ser83Gly; replaces serine 83 with glycine.
Molecular consequence: missense variant. On other transcripts: 5 prime UTR variant (1).
Genome position (GRCh38, 1-based): chr11:78,571,339, T>C on the plus strand (A>G on the coding strand, the complement: NARS2 is on the minus strand). VCF-style: chr11-78571339-T-C. GRCh37 (hg19) VCF-style: chr11-78282384-T-C.
Other names: c.-435A>G (NM_001243251.2); short protein forms S83G.
Identifiers: ClinVar variation 1479844 (VCV001479844.3), dbSNP rs749129005, ClinGen allele CA6205910.